The following is an entry in ClinVar:

ClinVar aggregate classification (germline): Uncertain significance. Review status: criteria provided, multiple submitters, no conflicts (2 of 4 stars). 2 submissions from 2 submitters: Uncertain significance (2). Last evaluated 2025-03-24.

Conditions:
Generalized epilepsy with febrile seizures plus, type 2 (GEFSP2). Also called: GEFS+, TYPE 2. Identifiers: Orphanet 36387, MedGen C1858673, MONDO:0011461, OMIM 604403.
Severe myoclonic epilepsy in infancy (DRVT). Also called: Epileptic encephalopathy, early infantile, 6 (Dravet syndrome); Dravet syndrome; SEVERE MYOCLONIC EPILEPSY OF INFANCY; DEVELOPMENTAL AND EPILEPTIC ENCEPHALOPATHY 6A; Severe Myoclonic Epilepsy in Infancy (SMEI). Identifiers: Orphanet 33069, MedGen C0751122, MONDO:0100135, OMIM 607208.
Migraine, familial hemiplegic, 3. Identifiers: Orphanet 569, MedGen C1864987, MONDO:0012320, OMIM 609634.
Developmental and epileptic encephalopathy 6B. Also called: Developmental and epileptic encephalopathy 6B, non-Dravet. Identifiers: MedGen C5543353, MONDO:0030268, OMIM 619317.

gnomAD v4.1: 2 of 1,611,536 alleles (0.00012%); highest among the groups gnomAD compares: East Asian, 0.0022%; no homozygotes.

Submissions (2):

GeneDx
Classification: Uncertain significance. Last evaluated: 2025-03-24. Review status: criteria provided, single submitter. Criteria: GeneDx Variant Classification Process June 2021. Collection method: clinical testing. Allele origin: germline. Affected: yes.
Comment: In silico analysis indicates that this missense variant does not alter protein structure/function; This substitution is predicted to be within the transmembrane segment S2 of the first homologous domain; Has not been previously published as pathogenic or benign to our knowledge

Juno Genomics, Hangzhou Juno Genomics, Inc
Classification: Uncertain significance for Developmental and epileptic encephalopathy 6B; Severe myoclonic epilepsy in infancy; Generalized epilepsy with febrile seizures plus, type 2; Migraine, familial hemiplegic, 3. Review status: criteria provided, single submitter. Criteria: ACMG Guidelines, 2015. Collection method: clinical testing. Allele origin: germline.
Comment: Absent from controls (or at extremely low frequency if recessive) in Genome Aggregation Database.;Missense variant in a gene that has a low rate of benign missense variation.

NM_001165963.4(SCN1A):c.511A>G (p.Ile171Val)

Gene: SCN1A (sodium voltage-gated channel alpha subunit 1; minus strand). Cytogenetic location: 2q24.3.
Variant type: single nucleotide variant.
Coding change: c.511A>G on transcript NM_001165963.4 (MANE Select); coding-DNA position 511, A replaced by G.
Protein change: p.Ile171Val; replaces isoleucine 171 with valine.
Molecular consequence: missense variant. On other transcripts: 5 prime UTR variant (1), non-coding transcript variant (1).
Genome position (GRCh38, 1-based): chr2:166,054,729, T>C on the plus strand (A>G on the coding strand, the complement: SCN1A is on the minus strand). VCF-style: chr2-166054729-T-C. GRCh37 (hg19) VCF-style: chr2-166911239-T-C.
Other names: c.511A>G, p.Ile171Val (NM_001165964.3, NM_001202435.3, NM_001353948.2 and 10 more transcripts); c.-1915A>G (NM_001353961.2); short protein forms I171V.
Identifiers: ClinVar variation 4088105 (VCV004088105.3).